The following is an entry in ClinVar:

ClinVar aggregate classification (germline): Benign/Likely benign. Review status: criteria provided, multiple submitters, no conflicts (2 of 4 stars). 9 submissions from 9 submitters: Benign (6); Likely benign (2). 1 of the submissions does not count toward it. Last evaluated 2026-02-04.

Conditions:
Autosomal recessive nonsyndromic hearing loss 9. Also called: OTOF-Related Hearing Loss; AUDITORY NEUROPATHY, AUTOSOMAL RECESSIVE, 1, TEMPERATURE-SENSITIVE; NEUROSENSORY NONSYNDROMIC RECESSIVE DEAFNESS 9; Deafness, autosomal recessive 9. Identifiers: Orphanet 90636, MedGen C1832828, MONDO:0010986, OMIM 601071.

Allele frequency attached by ClinVar (database versions not stated): gnomAD exomes 0.05388 and 0.06550; ExAC 0.05546; 1000 Genomes Project 0.05591; 1000 Genomes Project 30x 0.05762; ESP Exome Variant Server 0.08365; gnomAD 0.07150 and 0.07420; TOPMed 0.07374.
gnomAD v4.1: 105,988 of 1,612,408 alleles (6.6%); highest among the groups gnomAD compares: African/African-American, 11%; 3,853 homozygotes.

Submissions (9):

Labcorp Genetics (formerly Invitae), Labcorp
Classification: Benign. Last evaluated: 2026-02-04. Review status: criteria provided, single submitter. Criteria: Invitae Variant Classification Sherloc (09022015). Collection method: clinical testing. Allele origin: germline.

Women's Health and Genetics/Laboratory Corporation of America, LabCorp
Classification: Benign. Last evaluated: 2026-01-08. Review status: criteria provided, single submitter. Criteria: LabCorp Variant Classification Summary - May 2015. Collection method: clinical testing. Allele origin: germline.

Mayo Clinic Laboratories, Mayo Clinic
Classification: Benign. Last evaluated: 2020-10-20. Review status: criteria provided, single submitter. Criteria: ACMG Guidelines, 2015. Collection method: clinical testing. Allele origin: germline. Observed: 31 variant alleles.

Illumina Laboratory Services, Illumina
Classification: Likely benign for Autosomal recessive nonsyndromic hearing loss 9. Last evaluated: 2018-01-13. Review status: criteria provided, single submitter. Criteria: ICSL Variant Classification Criteria 13 December 2019. Collection method: clinical testing. Allele origin: germline.
Comment: This variant was observed in the ICSL laboratory as part of a predisposition screen in an ostensibly healthy population. It had not been previously curated by ICSL or reported in the Human Gene Mutation Database (HGMD: prior to June 1st, 2018), and was therefore a candidate for classification through an automated scoring system. Utilizing variant allele frequency, disease prevalence and penetrance estimates, and inheritance mode, an automated score was calculated to assess if this variant is too frequent to cause the disease. Based on the score and internal cut-off values, a variant classified as likely benign is not then subjected to further curation. The score for this variant resulted in a classification of likely benign for this disease.

GeneDx
Classification: Benign. Last evaluated: 2017-05-09. Review status: criteria provided, single submitter. Criteria: GeneDx Variant Classification (06012015). Collection method: clinical testing. Allele origin: germline. Affected: yes.
Comment: This variant is considered likely benign or benign based on one or more of the following criteria: it is a conservative change, it occurs at a poorly conserved position in the protein, it is predicted to be benign by multiple in silico algorithms, and/or has population frequency not consistent with disease.

Laboratory for Molecular Medicine, Mass General Brigham Personalized Medicine
Classification: Benign. Last evaluated: 2007-03-02. Review status: criteria provided, single submitter. Criteria: LMM Criteria. Collection method: clinical testing. Allele origin: germline. Observed: 251 variant alleles.

Breakthrough Genomics
Classification: Likely benign. Review status: criteria provided, single submitter. Criteria: ACMG Guidelines, 2015. Collection method: not provided. Allele origin: germline. Inheritance: Autosomal recessive inheritance. Affected: yes.

PreventionGenetics, part of Exact Sciences
Classification: Benign. Review status: criteria provided, single submitter. Criteria: ACMG Guidelines, 2015. Collection method: clinical testing. Allele origin: germline.

GeneReviews
No classification provided. Condition: Autosomal recessive nonsyndromic hearing loss 9. Review status: no classification provided. Collection method: literature only. Allele origin: unknown. Not counted in ClinVar's aggregate classification.

Literature cited by the submitters: PubMed 20301429 (cited by GeneReviews); NCBI Bookshelf NBK1251 (cited by GeneReviews).

NM_194248.3(OTOF):c.945G>A (p.Lys315=)

Gene: OTOF (otoferlin; minus strand). Cytogenetic location: 2p23.3.
Variant type: single nucleotide variant.
Coding change: c.945G>A on transcript NM_194248.3 (MANE Select); coding-DNA position 945, G replaced by A.
Protein change: p.Lys315=; no amino-acid change (lysine 315 retained).
Molecular consequence: synonymous variant.
Genome position (GRCh38, 1-based): chr2:26,489,693, C>T on the plus strand (G>A on the coding strand, the complement: OTOF is on the minus strand). VCF-style: chr2-26489693-C-T. GRCh37 (hg19) VCF-style: chr2-26712561-C-T.
Other names: p.Lys315=; c.945G>A, p.Lys315= (NM_001287489.2).
Identifiers: ClinVar variation 21864 (VCV000021864.22), dbSNP rs41288779, ClinGen allele CA142957.